The following is an entry in ClinVar:

ClinVar aggregate classification (germline): Uncertain significance. Review status: criteria provided, multiple submitters, no conflicts (2 of 4 stars). 2 submissions from 2 submitters: Uncertain significance (2). Last evaluated 2025-01-08.

Conditions:
Inborn genetic diseases. Identifiers: MedGen C0950123, MeSH D030342.

Allele frequency attached by ClinVar (database versions not stated): gnomAD 0.00001; TOPMed 0.00001.
gnomAD v4.1: 8 of 1,609,776 alleles (0.0005%); highest among the groups gnomAD compares: South Asian, 0.0044%; no homozygotes.

Submissions (2):

Ambry Genetics
Classification: Uncertain significance for Inborn genetic diseases. Last evaluated: 2025-01-08. Review status: criteria provided, single submitter. Criteria: Ambry Variant Classification Scheme 2023. Collection method: clinical testing. Allele origin: germline.

Labcorp Genetics (formerly Invitae), Labcorp
Classification: Uncertain significance. Last evaluated: 2022-06-27. Review status: criteria provided, single submitter. Criteria: Invitae Variant Classification Sherloc (09022015). Collection method: clinical testing. Allele origin: germline.
Comment: This variant is not present in population databases (gnomAD no frequency). This sequence change replaces glycine, which is neutral and non-polar, with arginine, which is basic and polar, at codon 797 of the COL18A1 protein (p.Gly797Arg). This variant has not been reported in the literature in individuals affected with COL18A1-related conditions. Experimental studies and prediction algorithms are not available or were not evaluated, and the functional significance of this variant is currently unknown. In summary, the available evidence is currently insufficient to determine the role of this variant in disease. Therefore, it has been classified as a Variant of Uncertain Significance.

NM_001379500.1(COL18A1):c.2389G>A (p.Gly797Arg)

Gene: COL18A1 (collagen type XVIII alpha 1 chain; plus strand). Cytogenetic location: 21q22.3.
Variant type: single nucleotide variant.
Coding change: c.2389G>A on transcript NM_001379500.1 (MANE Select); coding-DNA position 2389, G replaced by A.
Protein change: p.Gly797Arg; replaces glycine 797 with arginine.
Molecular consequence: missense variant.
Genome position (GRCh38, 1-based): chr21:45,494,871, G>A. VCF-style: chr21-45494871-G-A. GRCh37 (hg19) VCF-style: chr21-46914785-G-A.
Other names: NM_130445.2:c.2389G>A; c.2929G>A, p.Gly977Arg (NM_030582.4); c.3634G>A, p.Gly1212Arg (NM_130444.3); short protein forms G1212R, G797R, G977R.
Identifiers: ClinVar variation 1470350 (VCV001470350.7), dbSNP rs780841902, ClinGen allele CA321919623.
Genomic context (GRCh38, chr21:45,494,871, plus strand): 5'-GGTCAAGGGCCAGGGTCTGCCCCACTAAGCCTGGCCCCCTTCCTCTTGCAGGGTCCATAC[G>A]GACGGCCGGGGTACAAGGGAGAGATTGGCTTTCCTGGACGGCCGGTGAGGACCTGGGGTC-3'
Protein context (NP_001366429.1, residues 787-807): PGFRGPPGPY[Gly797Arg]RPGYKGEIGF